The following is an entry in ClinVar:

NM_000098.3(CPT2):c.1645+2T>C

Gene: CPT2 (carnitine palmitoyltransferase 2; plus strand). Cytogenetic location: 1p32.3.
Variant type: single nucleotide variant.
Coding change: c.1645+2T>C on transcript NM_000098.3 (MANE Select); the canonical splice donor site of the intron after coding-DNA position 1645, T replaced by C.
Molecular consequence: splice donor variant. On other transcripts: intron variant (1).
Genome position (GRCh38, 1-based): chr1:53,211,321, T>C. VCF-style: chr1-53211321-T-C. GRCh37 (hg19) VCF-style: chr1-53676993-T-C.
Other names: c.1576+71T>C (NM_001330589.2).
Identifiers: ClinVar variation 3642133 (VCV003642133.2).
Genomic context (GRCh38, chr1:53,211,321, plus strand): 5'-GCAGATGATGGTTGAGTGCTCCAAGTACCATGGCCAGCTGACCAAAGAAGCAGCAATGGG[T>C]GAGGCAGGGGTGGGGAGCATGCCCTTGGGTCTTGTCCTCAGTGCTTGGGTAAGCAAGCCT-3'

ClinVar aggregate classification (germline): Pathogenic (1 of 4 stars; one submission).

Conditions:
Carnitine palmitoyltransferase II deficiency. Also called: Carnitine Palmitoyltransferase 2 Deficiency. Identifiers: Orphanet 157, MedGen C0342790, MONDO:0015515.

Submission:

Labcorp Genetics (formerly Invitae), Labcorp
Classification: Pathogenic for Carnitine palmitoyltransferase II deficiency. Last evaluated: 2024-02-19. Review status: criteria provided, single submitter. Criteria: Invitae Variant Classification Sherloc (09022015). Collection method: clinical testing. Allele origin: germline.
Comment: This sequence change affects a donor splice site in intron 4 of the CPT2 gene. While this variant is not anticipated to result in nonsense mediated decay, it likely alters RNA splicing and results in a disrupted protein product. This variant is not present in population databases (gnomAD no frequency). This variant has not been reported in the literature in individuals affected with CPT2-related conditions. Variants that disrupt the consensus splice site are a relatively common cause of aberrant splicing (PMID: 17576681, 9536098). Algorithms developed to predict the effect of sequence changes on RNA splicing suggest that this variant may disrupt the consensus splice site. This variant disrupts a region of the CPT2 protein in which other variant(s) (p.Glu645Argfs*5) have been determined to be pathogenic (PMID: 17936304, 21913903). This suggests that this is a clinically significant region of the protein, and that variants that disrupt it are likely to be disease-causing. For these reasons, this variant has been classified as Pathogenic.

Literature cited by the submitters: PubMed 17576681; PubMed 9536098; PubMed 17936304; PubMed 21913903.